The following is an entry in ClinVar:

NM_173477.5(USH1G):c.497G>C (p.Arg166Pro)

Gene: USH1G (USH1 protein network component sans; minus strand). Cytogenetic location: 17q25.1.
Variant type: single nucleotide variant.
Coding change: c.497G>C on transcript NM_173477.5 (MANE Select); coding-DNA position 497, G replaced by C.
Protein change: p.Arg166Pro; replaces arginine 166 with proline.
Molecular consequence: missense variant.
Genome position (GRCh38, 1-based): chr17:74,920,339, C>G on the plus strand (G>C on the coding strand, the complement: USH1G is on the minus strand). VCF-style: chr17-74920339-C-G. GRCh37 (hg19) VCF-style: chr17-72916434-C-G.
Other names: c.188G>C, p.Arg63Pro (NM_001282489.3); short protein forms R166P, R63P.
Identifiers: ClinVar variation 1506706 (VCV001506706.3), dbSNP rs772186029, ClinGen allele CA293984645.

ClinVar aggregate classification (germline): Uncertain significance (1 of 4 stars; one submission).

Submission:

Labcorp Genetics (formerly Invitae), Labcorp
Classification: Uncertain significance. Last evaluated: 2021-11-30. Review status: criteria provided, single submitter. Criteria: Invitae Variant Classification Sherloc (09022015). Collection method: clinical testing. Allele origin: germline.
Comment: This sequence change replaces arginine, which is basic and polar, with proline, which is neutral and non-polar, at codon 166 of the USH1G protein (p.Arg166Pro). This variant is not present in population databases (gnomAD no frequency). This variant has not been reported in the literature in individuals affected with USH1G-related conditions. Algorithms developed to predict the effect of missense changes on protein structure and function are either unavailable or do not agree on the potential impact of this missense change (SIFT: "Not Available"; PolyPhen-2: "Benign"; Align-GVGD: "Not Available"). In summary, the available evidence is currently insufficient to determine the role of this variant in disease. Therefore, it has been classified as a Variant of Uncertain Significance.